The following is an entry in ClinVar:

ClinVar aggregate classification (germline): Likely pathogenic (1 of 4 stars; one submission).

Submission:

GeneDx
Classification: Likely pathogenic. Last evaluated: 2025-01-06. Review status: criteria provided, single submitter. Criteria: GeneDx Variant Classification Process June 2021. Collection method: clinical testing. Allele origin: germline. Affected: yes.
Comment: Frameshift variant predicted to result in protein truncation or nonsense mediated decay in a gene for which loss of function is a known mechanism of disease; Not observed at significant frequency in large population cohorts (gnomAD); Has not been previously published as pathogenic or benign to our knowledge

NM_001003694.2(BRPF1):c.1547dup (p.Pro518fs)

Gene: BRPF1 (bromodomain and PHD finger containing 1; plus strand). Cytogenetic location: 3p25.3.
Variant type: Duplication.
Coding change: c.1547dup on transcript NM_001003694.2 (MANE Select); coding-DNA position 1547, one base duplicated (T; older notation c.1547dupT).
Protein change: p.Pro518fs; shifts the reading frame from proline 518.
Molecular consequence: frameshift variant. On other transcripts: non-coding transcript variant (1).
Genome position (GRCh38, 1-based): chr3:9,739,946, T duplicated. VCF-style (leftmost placement, unchanged base first): chr3-9739945-A-AT. GRCh37 (hg19) VCF-style: chr3-9781629-A-AT.
Other names: c.1547dup, p.Pro518fs (NM_001319049.2, NM_001319050.2, NM_001410704.1 and 1 more transcripts); short protein forms P518fs.
Identifiers: ClinVar variation 4056932 (VCV004056932.1).